The following is an entry in ClinVar:

NM_006648.4(WNK2):c.4042C>A (p.Pro1348Thr)

Gene: WNK2 (WNK lysine deficient protein kinase 2; plus strand). Cytogenetic location: 9q22.31.
Variant type: single nucleotide variant.
Coding change: c.4042C>A on transcript NM_006648.4 (MANE Select); coding-DNA position 4042, C replaced by A.
Protein change: p.Pro1348Thr; replaces proline 1348 with threonine.
Molecular consequence: missense variant.
Genome position (GRCh38, 1-based): chr9:93,288,796, C>A. VCF-style: chr9-93288796-C-A. GRCh37 (hg19) VCF-style: chr9-96051078-C-A.
Other names: c.4153C>A, p.Pro1385Thr (NM_001282394.3); short protein forms P1385T, P1348T.
Identifiers: ClinVar variation 5031883 (VCV005031883.1).

ClinVar aggregate classification (germline): Uncertain significance (1 of 4 stars; one submission).

Submission:

Ambry Genetics
Classification: Uncertain significance. Last evaluated: 2026-07-26. Review status: criteria provided, single submitter. Criteria: Ambry Variant Classification Scheme 2023. Collection method: clinical testing. Allele origin: germline.
Comment: The p.P1348T variant (also known as c.4042C>A), located in coding exon 19 of the WNK2 gene, results from a C to A substitution at nucleotide position 4042. The proline at codon 1348 is replaced by threonine, an amino acid with highly similar properties. This amino acid position is conserved. In addition, this alteration is predicted to be tolerated by in silico analysis. Based on the available evidence, the clinical significance of this variant remains unclear.